The following is an entry in ClinVar:

NM_001040167.2(LFNG):c.100C>A (p.Pro34Thr)

Gene: LFNG (LFNG O-fucosylpeptide 3-beta-N-acetylglucosaminyltransferase; plus strand). Cytogenetic location: 7p22.3.
Variant type: single nucleotide variant.
Coding change: c.100C>A on transcript NM_001040167.2 (MANE Select); coding-DNA position 100, C replaced by A.
Protein change: p.Pro34Thr; replaces proline 34 with threonine.
Molecular consequence: missense variant. On other transcripts: intron variant (2).
Genome position (GRCh38, 1-based): chr7:2,519,961, C>A. VCF-style: chr7-2519961-C-A. GRCh37 (hg19) VCF-style: chr7-2559595-C-A.
Other names: c.100C>A (NM_001040167.1); c.100C>A, p.Pro34Thr (NM_001040168.2); c.220-4734C>A (NM_001166355.2); c.45+1363C>A (NM_002304.3); short protein forms P34T.
Identifiers: ClinVar variation 1040157 (VCV001040157.8), dbSNP rs965725102, ClinGen allele CA152640100.

ClinVar aggregate classification (germline): Uncertain significance. Review status: criteria provided, multiple submitters, no conflicts (2 of 4 stars). 2 submissions from 2 submitters: Uncertain significance (2). Last evaluated 2024-06-10.

Conditions:
Inborn genetic diseases. Identifiers: MedGen C0950123, MeSH D030342.
Spondylocostal dysostosis 3, autosomal recessive (SCDO3). Also called: LFNG-Related Spondylocostal Dysostosis, Autosomal Recessive. Identifiers: Orphanet 2311, MedGen C1853296, MONDO:0012349, OMIM 609813.

Allele frequency attached by ClinVar (database versions not stated): gnomAD exomes 0.00001; 1000 Genomes Project 30x 0.00016; gnomAD 0.00030 and 0.00034; TOPMed 0.00034.
gnomAD v4.1: 50 of 991,580 alleles (0.005%); highest among the groups gnomAD compares: African/African-American, 0.086%; no homozygotes.

Submissions (2):

Ambry Genetics
Classification: Uncertain significance for Inborn genetic diseases. Last evaluated: 2024-06-10. Review status: criteria provided, single submitter. Criteria: Ambry Variant Classification Scheme 2023. Collection method: clinical testing. Allele origin: germline.

Labcorp Genetics (formerly Invitae), Labcorp
Classification: Uncertain significance for Spondylocostal dysostosis 3, autosomal recessive. Last evaluated: 2024-04-08. Review status: criteria provided, single submitter. Criteria: Invitae Variant Classification Sherloc (09022015). Collection method: clinical testing. Allele origin: germline.
Comment: This sequence change replaces proline, which is neutral and non-polar, with threonine, which is neutral and polar, at codon 34 of the LFNG protein (p.Pro34Thr). This variant is present in population databases (no rsID available, gnomAD 0.1%). This variant has not been reported in the literature in individuals affected with LFNG-related conditions. ClinVar contains an entry for this variant (Variation ID: 1040157). Experimental studies and prediction algorithms are not available or were not evaluated, and the functional significance of this variant is currently unknown. In summary, the available evidence is currently insufficient to determine the role of this variant in disease. Therefore, it has been classified as a Variant of Uncertain Significance.